The following is an entry in ClinVar:

NM_003737.4(DCHS1):c.6095G>A (p.Arg2032Gln)

Gene: DCHS1 (dachsous cadherin-related 1; minus strand). Cytogenetic location: 11p15.4.
Variant type: single nucleotide variant.
Coding change: c.6095G>A on transcript NM_003737.4 (MANE Select); coding-DNA position 6095, G replaced by A.
Protein change: p.Arg2032Gln; replaces arginine 2032 with glutamine.
Molecular consequence: missense variant.
Genome position (GRCh38, 1-based): chr11:6,626,944, C>T on the plus strand (G>A on the coding strand, the complement: DCHS1 is on the minus strand). VCF-style: chr11-6626944-C-T. GRCh37 (hg19) VCF-style: chr11-6648175-C-T.
Other names: short protein forms R2032Q.
Identifiers: ClinVar variation 4238009 (VCV004238009.2).

ClinVar aggregate classification (germline): Uncertain significance. Review status: criteria provided, multiple submitters, no conflicts (2 of 4 stars). 2 submissions from 2 submitters: Uncertain significance (2). Last evaluated 2025-11-23.

Conditions:
Inborn genetic diseases. Identifiers: MedGen C0950123, MeSH D030342.

gnomAD v4.1: 20 of 1,613,526 alleles (0.0012%); highest among the groups gnomAD compares: East Asian, 0.0045%; no homozygotes.

Submissions (2):

Labcorp Genetics (formerly Invitae), Labcorp
Classification: Uncertain significance. Last evaluated: 2025-11-23. Review status: criteria provided, single submitter. Criteria: Invitae Variant Classification Sherloc (09022015). Collection method: clinical testing. Allele origin: germline.
Comment: This sequence change replaces arginine, which is basic and polar, with glutamine, which is neutral and polar, at codon 2032 of the DCHS1 protein (p.Arg2032Gln). This variant is present in population databases (rs762866278, gnomAD 0.007%). This variant has not been reported in the literature in individuals affected with DCHS1-related conditions. ClinVar contains an entry for this variant (Variation ID: 4238009). An algorithm developed to predict the effect of missense changes on protein structure and function outputs the following: PolyPhen-2: "Benign". The glutamine amino acid residue is found in multiple mammalian species, which suggests that this missense change does not adversely affect protein function. In summary, the available evidence is currently insufficient to determine the role of this variant in disease. Therefore, it has been classified as a Variant of Uncertain Significance.

Ambry Genetics
Classification: Uncertain significance for Inborn genetic diseases. Last evaluated: 2025-09-04. Review status: criteria provided, single submitter. Criteria: Ambry Variant Classification Scheme 2023. Collection method: clinical testing. Allele origin: germline.